The following is an entry in ClinVar:

ClinVar aggregate classification (germline): Conflicting classifications of pathogenicity. Review status: criteria provided, conflicting classifications (1 of 4 stars). 4 submissions from 4 submitters: Likely pathogenic (2); Uncertain significance (2). Last evaluated 2026-02-12.

Conditions:
Hypophosphatasia. Also called: Phosphoethanol-aminuria. Identifiers: Orphanet 436, MedGen C0020630, MeSH D007014, MONDO:0018570.

Submissions (4):

JKU Lab, Dept of Paediatrics, Johannes Kepler University
Classification: Uncertain significance for Hypophosphatasia. Last evaluated: 2026-02-12. Review status: criteria provided, single submitter. Criteria: ACMG Guidelines, 2015. Collection method: curation, in vitro. Allele origin: germline, not applicable. Functional consequence: decreased enzyme activity.
Comment: This missense variant is not present in GnomAD 4.1 and affects a highly conserved amino acid in the homodimeric interface/crown domain. The variant is predicted to affect protein function (REVEL score: 0.834). Splice-prediction algorithms predict no effect on splicing. In vitro functional studies showed reduced ALP activity without a dominant negative effect. This variant has been reported in the literature in individuals affected by ALPL-related conditions (PMID:30283912;28749478;20089612). The results of the functional testing and the applied ACMG criteria can be viewed at an online resource

Labcorp Genetics (formerly Invitae), Labcorp
Classification: Likely pathogenic. Last evaluated: 2025-09-23. Review status: criteria provided, single submitter. Criteria: Invitae Variant Classification Sherloc (09022015). Collection method: clinical testing. Allele origin: germline.
Comment: This sequence change replaces alanine, which is neutral and non-polar, with threonine, which is neutral and polar, at codon 399 of the ALPL protein (p.Ala399Thr). This variant is not present in population databases (gnomAD no frequency). This variant has not been reported in the literature in individuals affected with ALPL-related conditions. ClinVar contains an entry for this variant (Variation ID: 3683884). Invitae Evidence Modeling of protein sequence and biophysical properties (such as structural, functional, and spatial information, amino acid conservation, physicochemical variation, residue mobility, and thermodynamic stability) indicates that this missense variant is expected to disrupt ALPL protein function with a positive predictive value of 95%. This variant disrupts the p.Ala399 amino acid residue in ALPL. Other variant(s) that disrupt this residue have been determined to be pathogenic (PMID: 11438998, 17253930, 32160374). This suggests that this residue is clinically significant, and that variants that disrupt this residue are likely to be disease-causing. In summary, the currently available evidence indicates that the variant is pathogenic, but additional data are needed to prove that conclusively. Therefore, this variant has been classified as Likely Pathogenic.

Genomenon, Inc
Classification: Likely pathogenic for Hypophosphatasia. Last evaluated: 2025-08-29. Review status: criteria provided, single submitter. Criteria: Genomenon Sequence Variant Interpretation Standards. Collection method: curation. Allele origin: germline. Affected: yes.
Comment: ALPL c.1195G>A is a missense variant that changes the amino acid at residue 399 from Alanine to Threonine. This variant has been observed in at least one proband affected with hypophosphatasia (PMID:28749478;30283912). It is absent or not present at a significant frequency in gnomAD. In silico models agree that this variant is possibly or probably damaging. In conclusion, we classify ALPL p.Ala399Thr (c.1195G>A) as a likely pathogenic variant.

GeneDx
Classification: Uncertain significance. Last evaluated: 2025-02-06. Review status: criteria provided, single submitter. Criteria: GeneDx Variant Classification Process June 2021. Collection method: clinical testing. Allele origin: germline. Affected: yes.
Comment: Reported with a second variant (phase unknown) in a patient with hypophosphatasia in published literature (PMID: 30283912); Not observed at significant frequency in large population cohorts (gnomAD); In silico analysis supports that this missense variant has a deleterious effect on protein structure/function; This variant is associated with the following publications: (PMID: 37731773, 30283912)

Literature cited by the submitters: PubMed 30283912 (cited by JKU Lab, Dept of Paediatrics, Johannes Kepler University and Genomenon, Inc); PubMed 28749478 (cited by JKU Lab, Dept of Paediatrics, Johannes Kepler University and Genomenon, Inc); PubMed 20089612 (cited by JKU Lab, Dept of Paediatrics, Johannes Kepler University); PubMed 11438998 (cited by Labcorp Genetics (formerly Invitae), Labcorp); PubMed 17253930 (cited by Labcorp Genetics (formerly Invitae), Labcorp); PubMed 32160374 (cited by Labcorp Genetics (formerly Invitae), Labcorp).

NM_000478.6(ALPL):c.1195G>A (p.Ala399Thr)

Gene: ALPL (alkaline phosphatase, biomineralization associated; plus strand). Cytogenetic location: 1p36.12.
Variant type: single nucleotide variant.
Coding change: c.1195G>A on transcript NM_000478.6 (MANE Select); coding-DNA position 1195, G replaced by A.
Protein change: p.Ala399Thr; replaces alanine 399 with threonine.
Molecular consequence: missense variant.
Genome position (GRCh38, 1-based): chr1:21,576,527, G>A. VCF-style: chr1-21576527-G-A. GRCh37 (hg19) VCF-style: chr1-21903020-G-A.
Other names: c.1030G>A, p.Ala344Thr (NM_001127501.4); c.964G>A, p.Ala322Thr (NM_001177520.3); c.1195G>A, p.Ala399Thr (NM_001369803.2, NM_001369804.2, NM_001369805.2); c.1195G>A (NM_000478.4); short protein forms A399T, A322T, A344T.
Identifiers: ClinVar variation 3683884 (VCV003683884.5).